The following is an entry in ClinVar:

ClinVar aggregate classification (germline): Conflicting classifications of pathogenicity. Review status: criteria provided, conflicting classifications (1 of 4 stars). 5 submissions from 4 submitters: Uncertain significance (3); Likely benign (2). Last evaluated 2026-06-01.

Conditions:
Cutis laxa, X-linked (OHS). Also called: EDS IX; Occipital horn syndrome. Identifiers: Orphanet 198, MedGen C0268353, MONDO:0010572, OMIM 304150.
Menkes kinky-hair syndrome (MNK). Also called: Copper transport disease; Classic Menkes Disease; Menkes Disease. Identifiers: Orphanet 565, MedGen C0022716, MONDO:0010651, OMIM 309400.
X-linked distal spinal muscular atrophy type 3. Also called: NEURONOPATHY, DISTAL HEREDITARY MOTOR, X-LINKED; NEUROPATHY, DISTAL HEREDITARY MOTOR, X-LINKED; ATP7A-Related Distal Motor Neuropathy; SPINAL MUSCULAR ATROPHY, DISTAL, X-LINKED RECESSIVE. Identifiers: Orphanet 139557, MedGen C1845359, MONDO:0010338, OMIM 300489.

Allele frequency attached by ClinVar (database versions not stated): gnomAD 0.00002; TOPMed 0.00004.
gnomAD v4.1: 17 of 1,207,255 alleles (0.0014%); highest among the groups gnomAD compares: African/African-American, 0.007%; no homozygotes.

Submissions (5):

CeGaT Center for Human Genetics Tuebingen
Classification: Likely benign. Last evaluated: 2026-06-01. Review status: criteria provided, single submitter. Criteria: CeGaT Center For Human Genetics Tuebingen Variant Classification Criteria Version 2. Collection method: clinical testing. Allele origin: germline. Affected: yes. Observed: 1 variant allele.
Comment: ATP7A: BS2

Labcorp Genetics (formerly Invitae), Labcorp
Classification: Likely benign for X-linked distal spinal muscular atrophy type 3; Cutis laxa, X-linked; Menkes kinky-hair syndrome. Last evaluated: 2025-03-04. Review status: criteria provided, single submitter. Criteria: Invitae Variant Classification Sherloc (09022015). Collection method: clinical testing. Allele origin: germline.

HudsonAlpha Institute for Biotechnology
Classification: Uncertain significance for Menkes kinky-hair syndrome. Last evaluated: 2021-03-12. Review status: criteria provided, single submitter. Criteria: ACMG Guidelines, 2015. Collection method: research. Allele origin: maternal. Observed: 1 variant allele. Study: HudsonAlpha-AGHI-WGS.
Comment: ACMG codes: PM2, PP3

GeneDx
Classification: Uncertain significance. Last evaluated: 2019-11-06. Review status: criteria provided, single submitter. Criteria: GeneDx Variant Classification Process June 2021. Collection method: clinical testing. Allele origin: germline. Affected: yes.
Comment: Not observed at a significant frequency in large population cohorts (Lek et al., 2016); In silico analysis, which includes protein predictors and evolutionary conservation, supports a deleterious effect; Has not been previously published as pathogenic or benign to our knowledge

HudsonAlpha Institute for Biotechnology
Classification: Uncertain significance for Menkes kinky-hair syndrome. Last evaluated: 2017-11-28. Review status: criteria provided, single submitter. Criteria: HA_AGHI_assertions_20171208. Collection method: research. Allele origin: maternal. Observed: 1 variant allele. Study: AGHI-WGS-HudsonAlpha.

NM_000052.7(ATP7A):c.1789G>A (p.Val597Met)

Gene: ATP7A (ATPase copper transporting alpha; plus strand). Cytogenetic location: Xq21.1.
Variant type: single nucleotide variant.
Coding change: c.1789G>A on transcript NM_000052.7 (MANE Select); coding-DNA position 1789, G replaced by A.
Protein change: p.Val597Met; replaces valine 597 with methionine.
Molecular consequence: missense variant.
Genome position (GRCh38, 1-based): chrX:78,009,183, G>A. VCF-style: chrX-78009183-G-A. GRCh37 (hg19) VCF-style: chrX-77264680-G-A.
Other names: c.1789G>A, p.Val597Met (NM_001282224.2); short protein forms V597M.
Identifiers: ClinVar variation 517141 (VCV000517141.9), dbSNP rs781959472, ClinGen allele CA10459109.